The following is an entry in ClinVar:

ClinVar aggregate classification (germline): Conflicting classifications of pathogenicity. Review status: criteria provided, conflicting classifications (1 of 4 stars). 3 submissions from 3 submitters: Likely pathogenic (1); Uncertain significance (2). Last evaluated 2023-03-22.

Conditions:
Ectrodactyly, ectodermal dysplasia, and cleft lip-palate syndrome 3. Also called: Ectrodactyly, Ectodermal Dysplasia, Clefting Syndrome; EEC SYNDROME 3; Ectrodactyly, Ectodermal Dysplasia, Clefting Syndrome Type 3 (EEC3); Ectrodactyly, Ectodermal Dysplasia, Cleft Lip/Palate Syndrome 3 (EEC3). Identifiers: Orphanet 1896, MedGen C1858562, MONDO:0011428, OMIM 604292.
ADULT syndrome. Also called: ACRO-DERMATO-UNGUAL-LACRIMAL-TOOTH SYNDROME; Acro-Dermo-Ungual-Lacrimal-Tooth Syndrome (ADULT Syndrome); Acro-dermato-ungual-lacrimal-tooth (adult) syndrome. Identifiers: Orphanet 978, MedGen C1863204, MONDO:0007072, OMIM 103285.
Ankyloblepharon-ectodermal defects-cleft lip/palate syndrome. Also called: Hay-Wells syndrome of ectodermal dysplasia; AEC SYNDROME; HAY-WELLS SYNDROME; Ankyloblepharon-ectodermal defects, cleft lip/palate; Ankyloblepharon-Ectodermal Defects-Cleft Lip/Palate Syndrome (AEC Syndrome). Identifiers: Orphanet 1071, MedGen C0406709, MONDO:0007124, OMIM 106260.
Rapp-Hodgkin syndrome (RHS). Also called: ECTODERMAL DYSPLASIA, ANHIDROTIC, WITH CLEFT LIP/PALATE; Isolated Cleft Lip/Cleft Palate (Orofacial Cleft 8); Rapp-Hodgkin ectodermal dysplasia syndrome. Identifiers: MedGen C1785148, MONDO:0007508, OMIM 129400.
Premature ovarian failure 21 (POF21). Identifiers: MedGen C5830399, MONDO:0957216, OMIM 620311.
Split hand-foot malformation 4. Also called: Split-Hand/Foot Malformation Type 4 (SHFM4 syndrome); Split-Hand/Foot Malformation Type 4 (SHFM4). Identifiers: Orphanet 2440, MedGen C1854442, MONDO:0011535, OMIM 605289.
Orofacial cleft 8. Also called: Cleft lip with or without cleft palate, nonsyndromic, 8. Identifiers: MedGen C1851878, MONDO:0029145, OMIM 618149.
Limb-mammary syndrome (LMS). Also called: Mammary hypoplasia, ectrodactyly, and other hand/foot anomalies. Identifiers: Orphanet 69085, MedGen C1863753, MONDO:0011334, OMIM 603543.
TP63-Related Spectrum Disorders.

Allele frequency attached by ClinVar (database versions not stated): gnomAD exomes below 0.00001.
gnomAD v4.1: 4 of 1,614,108 alleles (0.00025%); highest among the groups gnomAD compares: East Asian, 0.0022%; no homozygotes.

Submissions (3):

MVZ Martinsried, Medicover Genetics
Classification: Likely pathogenic for Ectrodactyly, ectodermal dysplasia, and cleft lip-palate syndrome 3. Last evaluated: 2023-03-22. Review status: criteria provided, single submitter. Criteria: ACGS Guidelines, 2020. Collection method: clinical testing. Allele origin: unknown. Affected: yes.

Labcorp Genetics (formerly Invitae), Labcorp
Classification: Uncertain significance. Last evaluated: 2022-05-05. Review status: criteria provided, single submitter. Criteria: Invitae Variant Classification Sherloc (09022015). Collection method: clinical testing. Allele origin: germline.
Comment: In summary, the available evidence is currently insufficient to determine the role of this variant in disease. Therefore, it has been classified as a Variant of Uncertain Significance. Algorithms developed to predict the effect of missense changes on protein structure and function are either unavailable or do not agree on the potential impact of this missense change (SIFT: "Deleterious"; PolyPhen-2: "Probably Damaging"; Align-GVGD: "Class C0"). This variant has not been reported in the literature in individuals affected with TP63-related conditions. This variant is not present in population databases (gnomAD no frequency). This sequence change replaces alanine, which is neutral and non-polar, with threonine, which is neutral and polar, at codon 227 of the TP63 protein (p.Ala227Thr).

Juno Genomics, Hangzhou Juno Genomics, Inc
Classification: Uncertain significance for Split hand-foot malformation 4; Premature ovarian failure 21; ADULT syndrome; Ectrodactyly, ectodermal dysplasia, and cleft lip-palate syndrome 3; Ankyloblepharon-ectodermal defects-cleft lip/palate syndrome; Limb-mammary syndrome; Orofacial cleft 8; Rapp-Hodgkin syndrome. Review status: criteria provided, single submitter. Criteria: ACMG Guidelines, 2015. Collection method: clinical testing. Allele origin: germline.
Comment: Absent from controls (or at extremely low frequency if recessive) in Genome Aggregation Database.;Missense variant in a gene that has a low rate of benign missense variation.;Multiple lines of computational evidence support a deleterious effect on the gene or gene product.

NM_003722.5(TP63):c.679G>A (p.Ala227Thr)

Gene: TP63 (tumor protein p63; plus strand). Cytogenetic location: 3q28.
Variant type: single nucleotide variant.
Coding change: c.679G>A on transcript NM_003722.5 (MANE Select); coding-DNA position 679, G replaced by A.
Protein change: p.Ala227Thr; replaces alanine 227 with threonine.
Molecular consequence: missense variant.
Genome position (GRCh38, 1-based): chr3:189,864,331, G>A. VCF-style: chr3-189864331-G-A. GRCh37 (hg19) VCF-style: chr3-189582120-G-A.
Other names: c.679G>A, p.Ala227Thr (NM_001114978.2, NM_001114979.2, NM_001329144.2 and 1 more transcripts); c.397G>A, p.Ala133Thr (NM_001114980.2, NM_001114981.2, NM_001114982.2 and 2 more transcripts); c.142G>A, p.Ala48Thr (NM_001329146.2, NM_001329150.2); c.673G>A, p.Ala225Thr (NM_001329964.2); short protein forms A133T, A225T, A227T, A48T.
Identifiers: ClinVar variation 1922803 (VCV001922803.7), dbSNP rs1717421668, ClinGen allele CA355753557.